The following is an entry in ClinVar:

ClinVar aggregate classification (germline): Uncertain significance (1 of 4 stars; one submission).

Conditions:
Left ventricular noncompaction 8 (LVNC8). Identifiers: Orphanet 154, Orphanet 54260, MedGen C3809288, MONDO:0014152, OMIM 615373.

Submission:

Centre for Mendelian Genomics, University Medical Centre Ljubljana
Classification: Uncertain significance for Left ventricular noncompaction 8. Last evaluated: 2020-01-29. Review status: criteria provided, single submitter. Criteria: ACMG Guidelines, 2015. Collection method: clinical testing. Allele origin: unknown. Affected: yes.
Comment: This variant was classified as: Uncertain significance. The available evidence on this variant's pathogenicity is insufficient or conflicting. The following ACMG criteria were applied in classifying this variant: PM2,BP4.

NM_022114.4(PRDM16):c.565A>G (p.Ser189Gly)

Gene: PRDM16 (PR/SET domain 16; plus strand). Cytogenetic location: 1p36.32.
Variant type: single nucleotide variant.
Coding change: c.565A>G on transcript NM_022114.4 (MANE Select); coding-DNA position 565, A replaced by G.
Protein change: p.Ser189Gly; replaces serine 189 with glycine.
Molecular consequence: missense variant.
Genome position (GRCh38, 1-based): chr1:3,385,278, A>G. VCF-style: chr1-3385278-A-G. GRCh37 (hg19) VCF-style: chr1-3301842-A-G.
Other names: c.565A>G, p.Ser189Gly (NM_199454.3); short protein forms S189G.
Identifiers: ClinVar variation 931299 (VCV000931299.3), dbSNP rs1643176774, ClinGen allele CA338000902.